The following is an entry in ClinVar:

NM_000179.3(MSH6):c.1336G>C (p.Glu446Gln)

Gene: MSH6 (mutS homolog 6; plus strand). Cytogenetic location: 2p16.3.
Variant type: single nucleotide variant.
Coding change: c.1336G>C on transcript NM_000179.3 (MANE Select); coding-DNA position 1336, G replaced by C.
Protein change: p.Glu446Gln; replaces glutamic acid 446 with glutamine.
Molecular consequence: missense variant.
Genome position (GRCh38, 1-based): chr2:47,799,319, G>C. VCF-style: chr2-47799319-G-C. GRCh37 (hg19) VCF-style: chr2-48026458-G-C.
Other names: c.1432G>C, p.Glu478Gln (NM_001406802.1, NM_001406795.1); c.1336G>C, p.Glu446Gln (NM_001406803.1, NM_001406808.1, NM_001406809.1 and 4 more transcripts); c.1258G>C, p.Glu420Gln (NM_001406804.1); c.1039G>C, p.Glu347Gln (NM_001406805.1, NM_001406797.1, NM_001406801.1 and 10 more transcripts); c.811G>C, p.Glu271Gln (NM_001406806.1, NM_001406807.1, NM_001406799.1); c.430G>C, p.Glu144Gln (NM_001406811.1, NM_001406812.1, NM_001281493.2 and 6 more transcripts); c.946G>C, p.Glu316Gln (NM_001281492.2); c.1342G>C, p.Glu448Gln (NM_001406813.1); and 1 more; short protein forms E144Q, E271Q, E316Q, E347Q, E390Q, E420Q, E446Q, E448Q.
Identifiers: ClinVar variation 1717044 (VCV001717044.6), dbSNP rs1669321230, ClinGen allele CA346744560.

ClinVar aggregate classification (germline): Uncertain significance (1 of 4 stars; one submission).

Conditions:
Hereditary nonpolyposis colorectal neoplasms. Identifiers: MedGen C0009405, MeSH D003123.

Submission:

Labcorp Genetics (formerly Invitae), Labcorp
Classification: Uncertain significance for Hereditary nonpolyposis colorectal neoplasms. Last evaluated: 2022-11-08. Review status: criteria provided, single submitter. Criteria: Invitae Variant Classification Sherloc (09022015). Collection method: clinical testing. Allele origin: germline.
Comment: In summary, the available evidence is currently insufficient to determine the role of this variant in disease. Therefore, it has been classified as a Variant of Uncertain Significance. Advanced modeling of protein sequence and biophysical properties (such as structural, functional, and spatial information, amino acid conservation, physicochemical variation, residue mobility, and thermodynamic stability) performed at Invitae indicates that this missense variant is not expected to disrupt MSH6 protein function. This variant has not been reported in the literature in individuals affected with MSH6-related conditions. This variant is not present in population databases (gnomAD no frequency). This sequence change replaces glutamic acid, which is acidic and polar, with glutamine, which is neutral and polar, at codon 446 of the MSH6 protein (p.Glu446Gln).